The following is an entry in ClinVar:

NM_004484.4(GPC3):c.1502A>G (p.Asp501Gly)

Gene: GPC3 (glypican 3; minus strand). Cytogenetic location: Xq26.2.
Variant type: single nucleotide variant.
Coding change: c.1502A>G on transcript NM_004484.4 (MANE Select); coding-DNA position 1502, A replaced by G.
Protein change: p.Asp501Gly; replaces aspartic acid 501 with glycine.
Molecular consequence: missense variant.
Genome position (GRCh38, 1-based): chrX:133,596,511, T>C on the plus strand (A>G on the coding strand, the complement: GPC3 is on the minus strand). VCF-style: chrX-133596511-T-C. GRCh37 (hg19) VCF-style: chrX-132730539-T-C.
Other names: c.1571A>G, p.Asp524Gly (NM_001164617.2); c.1454A>G, p.Asp485Gly (NM_001164618.2); c.1340A>G, p.Asp447Gly (NM_001164619.2); short protein forms D447G, D485G, D501G, D524G.
Identifiers: ClinVar variation 1062569 (VCV001062569.10), dbSNP rs2124330961, ClinGen allele CA414701124.

ClinVar aggregate classification (germline): Uncertain significance (1 of 4 stars; one submission).

Conditions:
Wilms tumor 1 (WT1). Also called: Wilms tumor, somatic. Identifiers: Orphanet 654, MedGen CN033288, MONDO:0008679, OMIM 194070.

Submissions (2):

Labcorp Genetics (formerly Invitae), Labcorp
Classification: Uncertain significance for Wilms tumor 1. Last evaluated: 2021-12-29. Review status: criteria provided, single submitter. Criteria: Invitae Variant Classification Sherloc (09022015). Collection method: clinical testing. Allele origin: germline.
Comment: This sequence change replaces aspartic acid, which is acidic and polar, with glycine, which is neutral and non-polar, at codon 501 of the GPC3 protein (p.Asp501Gly). This variant is not present in population databases (gnomAD no frequency). In summary, the available evidence is currently insufficient to determine the role of this variant in disease. Therefore, it has been classified as a Variant of Uncertain Significance. This variant has not been reported in the literature in individuals affected with GPC3-related conditions. ClinVar contains an entry for this variant (Variation ID: 1062569). Algorithms developed to predict the effect of missense changes on protein structure and function are either unavailable or do not agree on the potential impact of this missense change (SIFT: "Deleterious"; PolyPhen-2: "Probably Damaging"; Align-GVGD: "Class C0"). Algorithms developed to predict the effect of sequence changes on RNA splicing suggest that this variant may create or strengthen a splice site.

Dr. Peter K. Rogan Lab, Western University
No classification provided (evidence only). Condition: Nonpapillary renal cell carcinoma. Review status: no classification provided. Collection method: in vitro. Allele origin: not applicable. Functional consequence: retained intron. Not counted in ClinVar's aggregate classification.